The following is an entry in ClinVar:

ClinVar aggregate classification (germline): Uncertain significance (1 of 4 stars; one submission).

Conditions:
Adenylosuccinate lyase deficiency (ADSLD). Also called: ADSL DEFICIENCY. Identifiers: Orphanet 46, MedGen C0268126, MONDO:0007068, OMIM 103050.

Submission:

Labcorp Genetics (formerly Invitae), Labcorp
Classification: Uncertain significance for Adenylosuccinate lyase deficiency. Last evaluated: 2022-07-26. Review status: criteria provided, single submitter. Criteria: Invitae Variant Classification Sherloc (09022015). Collection method: clinical testing. Allele origin: germline.
Comment: In summary, the available evidence is currently insufficient to determine the role of this variant in disease. Therefore, it has been classified as a Variant of Uncertain Significance. This variant has not been reported in the literature in individuals affected with ADSL-related conditions. This variant is not present in population databases (gnomAD no frequency). This variant occurs in a non-coding region of the ADSL gene. It does not change the encoded amino acid sequence of the ADSL protein.

NC_000022.11:g.40346484_40346493del

Gene: ADSL (adenylosuccinate lyase; plus strand). Cytogenetic location: 22q13.1.
Variant type: Deletion.
Genome position: GRCh38 VCF-style: chr22-40346482-CGTCCTGCCCT-C. GRCh37 (hg19) VCF-style: chr22-40742486-CGTCCTGCCCT-C.
Identifiers: ClinVar variation 1384720 (VCV001384720.5), dbSNP rs2146611602, ClinGen allele CA2573158360.